The following is an entry in ClinVar:

ClinVar aggregate classification (germline): Uncertain significance (1 of 4 stars; one submission).

Submission:

Labcorp Genetics (formerly Invitae), Labcorp
Classification: Uncertain significance. Last evaluated: 2022-10-28. Review status: criteria provided, single submitter. Criteria: Invitae Variant Classification Sherloc (09022015). Collection method: clinical testing. Allele origin: germline.
Comment: This sequence change replaces isoleucine, which is neutral and non-polar, with threonine, which is neutral and polar, at codon 2351 of the KMT2A protein (p.Ile2351Thr). This variant is not present in population databases (gnomAD no frequency). This variant has not been reported in the literature in individuals affected with KMT2A-related conditions. Advanced modeling of protein sequence and biophysical properties (such as structural, functional, and spatial information, amino acid conservation, physicochemical variation, residue mobility, and thermodynamic stability) performed at Invitae indicates that this missense variant is not expected to disrupt KMT2A protein function. In summary, the available evidence is currently insufficient to determine the role of this variant in disease. Therefore, it has been classified as a Variant of Uncertain Significance.

NM_001197104.2(KMT2A):c.7052T>C (p.Ile2351Thr)

Gene: KMT2A (lysine methyltransferase 2A; plus strand). Cytogenetic location: 11q23.3.
Variant type: single nucleotide variant.
Coding change: c.7052T>C on transcript NM_001197104.2 (MANE Select); coding-DNA position 7052, T replaced by C.
Protein change: p.Ile2351Thr; replaces isoleucine 2351 with threonine.
Molecular consequence: missense variant.
Genome position (GRCh38, 1-based): chr11:118,502,944, T>C. VCF-style: chr11-118502944-T-C. GRCh37 (hg19) VCF-style: chr11-118373659-T-C.
Other names: c.7142T>C, p.Ile2381Thr (NM_001412597.1); c.7043T>C, p.Ile2348Thr (NM_005933.4); short protein forms I2348T, I2381T, I2351T.
Identifiers: ClinVar variation 2133827 (VCV002133827.4), dbSNP rs2496993826, ClinGen allele CA382804131.